The following is an entry in ClinVar:

ClinVar aggregate classification (germline): Benign (1 of 4 stars; one submission).

Conditions:
Laron-type isolated somatotropin defect. Also called: GROWTH HORMONE RECEPTOR DEFICIENCY; Laron Syndrome; Growth hormone binding protein deficiency or dysfunction; Growth hormone receptor deficiency or dysfunction; Laron dwarfism; Laron type pituitary dwarfism I. Identifiers: Orphanet 633, MedGen C0271568, MONDO:0009877, OMIM 262500.

Allele frequency attached by ClinVar (database versions not stated): gnomAD 0.00789 and 0.00831; TOPMed 0.00941; 1000 Genomes Project 0.01098; 1000 Genomes Project 30x 0.01124.

Submission:

Illumina Laboratory Services, Illumina
Classification: Benign for Laron-type isolated somatotropin defect. Last evaluated: 2018-01-12. Review status: criteria provided, single submitter. Criteria: ICSL Variant Classification Criteria 13 December 2019. Collection method: clinical testing. Allele origin: germline.
Comment: This variant was observed in the ICSL laboratory as part of a predisposition screen in an ostensibly healthy population. It had not been previously curated by ICSL or reported in the Human Gene Mutation Database (HGMD: prior to June 1st, 2018), and was therefore a candidate for classification through an automated scoring system. Utilizing variant allele frequency, disease prevalence and penetrance estimates, and inheritance mode, an automated score was calculated to assess if this variant is too frequent to cause the disease. Based on the score and internal cut-off values, a variant classified as benign is not then subjected to further curation. The score for this variant resulted in a classification of benign for this disease.

NM_000163.5(GHR):c.*693G>A

Gene: GHR (growth hormone receptor; plus strand). Cytogenetic location: 5p12.
Variant type: single nucleotide variant.
Coding change: c.*693G>A on transcript NM_000163.5 (MANE Select); 693 bases downstream of the stop codon, G replaced by A.
Molecular consequence: 3 prime UTR variant.
Genome position (GRCh38, 1-based): chr5:42,720,117, G>A. VCF-style: chr5-42720117-G-A. GRCh37 (hg19) VCF-style: chr5-42720219-G-A.
Other names: c.*693G>A (NM_001242399.2, NM_001242400.2, NM_001242401.4 and 6 more transcripts); c.*1652G>A (NM_001242462.1).
Identifiers: ClinVar variation 353699 (VCV000353699.5), dbSNP rs113937917, ClinGen allele CA10624881.
Genomic context (GRCh38, chr5:42,720,117, plus strand): 5'-CAACTACAGTCTAAAGCTGGTTTAATGTTTTGGCCAATGCACCTAAAGAAAAACAAACTC[G>A]TTTTTTACAAAGCCCTTTTATACCTCCCCAGACTCCTTCAACAATTCTAAAATGATTGTA-3'